The following is an entry in ClinVar:

NM_001008212.2(OPTN):c.156C>T (p.His52=)

Genes: OPTN (optineurin; plus strand), LOC108903148 (10p13 OPTN distal Alu-mediated recombination region; plus strand). Cytogenetic location: 10p13.
Variant type: single nucleotide variant.
Coding change: c.156C>T on transcript NM_001008212.2 (MANE Select); coding-DNA position 156, C replaced by T.
Protein change: p.His52=; no amino-acid change (histidine 52 retained).
Molecular consequence: synonymous variant.
Genome position (GRCh38, 1-based): chr10:13,109,278, C>T. VCF-style: chr10-13109278-C-T. GRCh37 (hg19) VCF-style: chr10-13151278-C-T.
Other names: c.156C>T, p.His52= (NM_001008211.1, NM_001008213.1, NM_021980.4).
Identifiers: ClinVar variation 2173403 (VCV002173403.17), dbSNP rs1832940971, ClinGen allele CA468235135.

ClinVar aggregate classification (germline): Likely benign. Review status: criteria provided, multiple submitters, no conflicts (2 of 4 stars). 2 submissions from 2 submitters: Likely benign (2). Last evaluated 2025-02-01.

Conditions:
Amyotrophic lateral sclerosis type 12 (ALS12). Also called: AMYOTROPHIC LATERAL SCLEROSIS 12 WITH OR WITHOUT FRONTOTEMPORAL DEMENTIA. Identifiers: Orphanet 803, MedGen C3150692, MONDO:0013264, OMIM 613435.
Glaucoma 1, open angle, E. Identifiers: MedGen C1842026, MONDO:0007665.
Primary open angle glaucoma (POAG). Also called: OPTN-related open angle glaucoma. Identifiers: MedGen C0339573, MONDO:0100553, OMIM 137760.

Allele frequency attached by ClinVar (database versions not stated): TOPMed below 0.00001; gnomAD 0.00001.
gnomAD v4.1: 3 of 1,613,842 alleles (0.00019%); highest among the groups gnomAD compares: Non-Finnish European, 0.00017%; no homozygotes.

Submissions (2):

CeGaT Center for Human Genetics Tuebingen
Classification: Likely benign. Last evaluated: 2025-02-01. Review status: criteria provided, single submitter. Criteria: CeGaT Center For Human Genetics Tuebingen Variant Classification Criteria Version 2. Collection method: clinical testing. Allele origin: germline. Affected: yes. Observed: 1 variant allele.
Comment: OPTN: BP4, BP7

Labcorp Genetics (formerly Invitae), Labcorp
Classification: Likely benign for Primary open angle glaucoma; Glaucoma 1, open angle, E; Amyotrophic lateral sclerosis type 12. Last evaluated: 2022-04-12. Review status: criteria provided, single submitter. Criteria: Invitae Variant Classification Sherloc (09022015). Collection method: clinical testing. Allele origin: germline.